The following is an entry in ClinVar:

ClinVar aggregate classification (germline): Likely benign (1 of 4 stars; one submission).

Allele frequency attached by ClinVar (database versions not stated): ESP Exome Variant Server 0.00010; ExAC 0.00015; gnomAD 0.00016; TOPMed 0.00023; gnomAD exomes 0.00024.
gnomAD v4.1: 282 of 1,210,455 alleles (0.023%); highest among the groups gnomAD compares: Non-Finnish European, 0.03%; no homozygotes.

Submission:

CeGaT Center for Human Genetics Tuebingen
Classification: Likely benign. Last evaluated: 2022-10-01. Review status: criteria provided, single submitter. Criteria: CeGaT Center For Human Genetics Tuebingen Variant Classification Criteria Version 2. Collection method: clinical testing. Allele origin: germline. Affected: yes. Observed: 1 variant allele.
Comment: TRO: BP4, BP7

NM_001039705.3(TRO):c.429G>A (p.Lys143=)

Gene: TRO (trophinin; plus strand). Cytogenetic location: Xp11.21.
Variant type: single nucleotide variant.
Coding change: c.429G>A on transcript NM_001039705.3 (MANE Select); coding-DNA position 429, G replaced by A.
Protein change: p.Lys143=; no amino-acid change (lysine 143 retained).
Molecular consequence: synonymous variant. On other transcripts: non-coding transcript variant (1), intron variant (3).
Genome position (GRCh38, 1-based): chrX:54,922,961, G>A. VCF-style: chrX-54922961-G-A. GRCh37 (hg19) VCF-style: chrX-54949394-G-A.
Other names: c.429G>A, p.Lys143= (NM_016157.4, NM_177555.1, NM_177556.3); c.45+670G>A (NM_001271184.2, NM_177557.3); c.-171-1490G>A (NM_001271183.2).
Identifiers: ClinVar variation 2660677 (VCV002660677.24), dbSNP rs374645339, ClinGen allele CA10426991.
Genomic context (GRCh38, chrX:54,922,961, plus strand): 5'-GGTAACCAATACTCAGGCTTCTTCAGTCACTGCTCAGCCTAAGAAAGCCAACAAGATGAA[G>A]AGAGTTACTGCCAAGGCAGCCCAAGGCTCCCAATCCCCAACTGGCCATGAGGGTGGCACT-3'
Protein context (NP_001034794.1, residues 133-153): TAQPKKANKM[Lys143=]RVTAKAAQGS